The following is an entry in ClinVar:

NM_000093.5(COL5A1):c.4887G>A (p.Leu1629=)

Genes: COL5A1 (collagen type V alpha 1 chain; plus strand), LOC101448202 (uncharacterized LOC101448202; minus strand). Cytogenetic location: 9q34.3.
Variant type: single nucleotide variant.
Coding change: c.4887G>A on transcript NM_000093.5 (MANE Select); coding-DNA position 4887, G replaced by A.
Protein change: p.Leu1629=; no amino-acid change (leucine 1629 retained).
Molecular consequence: synonymous variant.
Genome position (GRCh38, 1-based): chr9:134,824,788, G>A. VCF-style: chr9-134824788-G-A. GRCh37 (hg19) VCF-style: chr9-137716634-G-A.
Other names: c.4887G>A, p.Leu1629= (NM_001278074.1).
Identifiers: ClinVar variation 644424 (VCV000644424.14), dbSNP rs1588598230, ClinGen allele CA467816277.

ClinVar aggregate classification (germline): Likely benign (1 of 4 stars; one submission).

Conditions:
Ehlers-Danlos syndrome, classic type (cEDS). Identifiers: Orphanet 287, MedGen C4225429, MONDO:0007522.
Ehlers-Danlos syndrome, classic type, 1 (EDSCL1). Also called: EDS I; EHLERS-DANLOS SYNDROME, GRAVIS TYPE; EHLERS-DANLOS SYNDROME, SEVERE CLASSIC TYPE; Ehlers-Danlos Syndrome, Classic Type, COL5A1-Related; Ehlers-Danlos syndrome, type 1. Identifiers: MedGen C0268335, MONDO:0019567, OMIM 130000.

Allele frequency attached by ClinVar (database versions not stated): gnomAD exomes below 0.00001.
gnomAD v4.1: 2 of 1,614,128 alleles (0.00012%); highest among the groups gnomAD compares: Non-Finnish European, 0.00017%; no homozygotes.

Submission:

Labcorp Genetics (formerly Invitae), Labcorp
Classification: Likely benign for Ehlers-Danlos syndrome, classic type, 1. Last evaluated: 2022-07-19. Review status: criteria provided, single submitter. Criteria: Invitae Variant Classification Sherloc (09022015). Collection method: clinical testing. Allele origin: germline.